The following is an entry in ClinVar:

ClinVar aggregate classification (germline): Uncertain significance (1 of 4 stars; one submission).

gnomAD v4.1: 40 of 1,613,216 alleles (0.0025%); highest among the groups gnomAD compares: African/African-American, 0.004%; no homozygotes.

Submission:

Labcorp Genetics (formerly Invitae), Labcorp
Classification: Uncertain significance. Last evaluated: 2025-11-03. Review status: criteria provided, single submitter. Criteria: Invitae Variant Classification Sherloc (09022015). Collection method: clinical testing. Allele origin: germline.
Comment: This sequence change replaces proline, which is neutral and non-polar, with leucine, which is neutral and non-polar, at codon 1205 of the COL7A1 protein (p.Pro1205Leu). This variant is present in population databases (rs773034718, gnomAD 0.006%). This variant has not been reported in the literature in individuals affected with COL7A1-related conditions. Invitae Evidence Modeling of protein sequence and biophysical properties (such as structural, functional, and spatial information, amino acid conservation, physicochemical variation, residue mobility, and thermodynamic stability) indicates that this missense variant is not expected to disrupt COL7A1 protein function with a negative predictive value of 95%. In summary, the available evidence is currently insufficient to determine the role of this variant in disease. Therefore, it has been classified as a Variant of Uncertain Significance.

NM_000094.4(COL7A1):c.3614C>T (p.Pro1205Leu)

Gene: COL7A1 (collagen type VII alpha 1 chain; minus strand). Cytogenetic location: 3p21.31.
Variant type: single nucleotide variant.
Coding change: c.3614C>T on transcript NM_000094.4 (MANE Select); coding-DNA position 3614, C replaced by T.
Protein change: p.Pro1205Leu; replaces proline 1205 with leucine.
Molecular consequence: missense variant.
Genome position (GRCh38, 1-based): chr3:48,586,183, G>A on the plus strand (C>T on the coding strand, the complement: COL7A1 is on the minus strand). VCF-style: chr3-48586183-G-A. GRCh37 (hg19) VCF-style: chr3-48623616-G-A.
Other names: short protein forms P1205L.
Identifiers: ClinVar variation 4751551 (VCV004751551.1).